The following is an entry in ClinVar:

NM_000443.4(ABCB4):c.2682G>A (p.Lys894=)

Gene: ABCB4 (ATP binding cassette subfamily B member 4; minus strand). Cytogenetic location: 7q21.12.
Variant type: single nucleotide variant.
Coding change: c.2682G>A on transcript NM_000443.4 (MANE Select); coding-DNA position 2682, G replaced by A.
Protein change: p.Lys894=; no amino-acid change (lysine 894 retained).
Molecular consequence: synonymous variant.
Genome position (GRCh38, 1-based): chr7:87,417,312, C>T on the plus strand (G>A on the coding strand, the complement: ABCB4 is on the minus strand). VCF-style: chr7-87417312-C-T. GRCh37 (hg19) VCF-style: chr7-87046628-C-T.
Other names: c.2682G>A, p.Lys894= (NM_018849.3, NM_018850.3).
Identifiers: ClinVar variation 3775315 (VCV003775315.1).
Genomic context (GRCh38, chr7:87,417,312, plus strand): 5'-CAAATAAAACACATGTCTAAAAACAACACTTAACACCAATTGAAATCTTATTTGACCTAC[C>T]TTTCCAGCAGCTTCCAGTTCTTTTTTATCTCTTTTGGCATTTCCAGCCAACAATTTCATT-3'
Protein context (NP_000434.1, residues 884-904): RDKKELEAAG[Lys894=]IATEAIENIR

ClinVar aggregate classification (germline): Uncertain significance (1 of 4 stars; one submission).

Conditions:
Progressive familial intrahepatic cholestasis type 3. Also called: MDR3 DEFICIENCY; Low Gamma-GT Familial Intrahepatic Cholestasis. Identifiers: Orphanet 79305, MedGen C1865643, MONDO:0011214, OMIM 602347.

Submission:

3billion
Classification: Uncertain significance for Progressive familial intrahepatic cholestasis type 3. Last evaluated: 2024-01-02. Review status: criteria provided, single submitter. Criteria: ACMG Guidelines, 2015. Collection method: clinical testing. Allele origin: germline. Affected: yes.
Comment: The variant is not observed in the gnomAD v2.1.1 dataset. Predicted Consequence/Location: Synonymous variant In silico tools predict the variant to alter splicing and produce an abnormal transcript [SpliceAI: 0.64 (>=0.2, moderate evidence for spliceogenicity)]. Therefore, this variant is classified as VUS according to the recommendation of ACMG/AMP guideline.